The following is an entry in ClinVar:

ClinVar aggregate classification (germline): Uncertain significance (1 of 4 stars; one submission).

Conditions:
Dilated cardiomyopathy 1Z (CMD1Z). Identifiers: Orphanet 154, MedGen C2678475, MONDO:0012745, OMIM 611879.
Hypertrophic cardiomyopathy 13. Also called: TNNC1-Related Familial Hypertrophic Cardiomyopathy. Identifiers: MedGen C2750472, MONDO:0013195, OMIM 613243.

Allele frequency attached by ClinVar (database versions not stated): gnomAD exomes below 0.00001.
gnomAD v4.1: 1 of 1,585,608 alleles (0.000063%); highest among the groups gnomAD compares: Non-Finnish European, 0.000086%; no homozygotes.

Submission:

Labcorp Genetics (formerly Invitae), Labcorp
Classification: Uncertain significance for Hypertrophic cardiomyopathy 13; Dilated cardiomyopathy 1Z. Last evaluated: 2025-04-08. Review status: criteria provided, single submitter. Criteria: Invitae Variant Classification Sherloc (09022015). Collection method: clinical testing. Allele origin: germline.
Comment: This sequence change replaces aspartic acid, which is acidic and polar, with glycine, which is neutral and non-polar, at codon 3 of the TNNC1 protein (p.Asp3Gly). This variant is not present in population databases (gnomAD no frequency). This variant has not been reported in the literature in individuals affected with TNNC1-related conditions. ClinVar contains an entry for this variant (Variation ID: 1722122). An algorithm developed to predict the effect of missense changes on protein structure and function (PolyPhen-2) suggests that this variant is likely to be disruptive. In summary, the available evidence is currently insufficient to determine the role of this variant in disease. Therefore, it has been classified as a Variant of Uncertain Significance.

NM_003280.3(TNNC1):c.8A>G (p.Asp3Gly)

Gene: TNNC1 (troponin C1, slow skeletal and cardiac type; minus strand). Cytogenetic location: 3p21.1.
Variant type: single nucleotide variant.
Coding change: c.8A>G on transcript NM_003280.3 (MANE Select); coding-DNA position 8, A replaced by G.
Protein change: p.Asp3Gly; replaces aspartic acid 3 with glycine.
Molecular consequence: missense variant.
Genome position (GRCh38, 1-based): chr3:52,454,008, T>C on the plus strand (A>G on the coding strand, the complement: TNNC1 is on the minus strand). VCF-style: chr3-52454008-T-C. GRCh37 (hg19) VCF-style: chr3-52488024-T-C.
Other names: short protein forms D3G.
Identifiers: ClinVar variation 1722122 (VCV001722122.5), dbSNP rs730881063, ClinGen allele CA353170942.